The following is an entry in ClinVar:

ClinVar aggregate classification (germline): Uncertain significance (1 of 4 stars; one submission).

Conditions:
Primary ciliary dyskinesia. Also called: Ciliary dyskinesia. Identifiers: Orphanet 244, MedGen C0008780, MONDO:0016575, HP:0012265.

gnomAD v4.1: 1 of 1,614,172 alleles (0.000062%); highest among the groups gnomAD compares: Non-Finnish European, 0.000085%; no homozygotes.

Submission:

Labcorp Genetics (formerly Invitae), Labcorp
Classification: Uncertain significance for Primary ciliary dyskinesia. Last evaluated: 2022-10-05. Review status: criteria provided, single submitter. Criteria: Invitae Variant Classification Sherloc (09022015). Collection method: clinical testing. Allele origin: germline.
Comment: In summary, the available evidence is currently insufficient to determine the role of this variant in disease. Therefore, it has been classified as a Variant of Uncertain Significance. Advanced modeling of protein sequence and biophysical properties (such as structural, functional, and spatial information, amino acid conservation, physicochemical variation, residue mobility, and thermodynamic stability) performed at Invitae indicates that this missense variant is not expected to disrupt DNAH5 protein function. This variant has not been reported in the literature in individuals affected with DNAH5-related conditions. This variant is present in population databases (no rsID available, gnomAD 0.0009%). This sequence change replaces phenylalanine, which is neutral and non-polar, with leucine, which is neutral and non-polar, at codon 4138 of the DNAH5 protein (p.Phe4138Leu).

NM_001369.3(DNAH5):c.12414T>A (p.Phe4138Leu)

Gene: DNAH5 (dynein axonemal heavy chain 5; minus strand). Cytogenetic location: 5p15.2.
Variant type: single nucleotide variant.
Coding change: c.12414T>A on transcript NM_001369.3 (MANE Select); coding-DNA position 12414, T replaced by A.
Protein change: p.Phe4138Leu; replaces phenylalanine 4138 with leucine.
Molecular consequence: missense variant.
Genome position (GRCh38, 1-based): chr5:13,718,967, A>T on the plus strand (T>A on the coding strand, the complement: DNAH5 is on the minus strand). VCF-style: chr5-13718967-A-T. GRCh37 (hg19) VCF-style: chr5-13719076-A-T.
Other names: short protein forms F4138L.
Identifiers: ClinVar variation 2135685 (VCV002135685.4), dbSNP rs754273700, ClinGen allele CA359210195.
Genomic context (GRCh38, chr5:13,718,967, plus strand): 5'-CCGGAGTCCTTGTGGAGGATCGTTGGCAAATTTAATGGACATCTGAAGGAGTGTAATGGG[A>T]AACTGCTTATGAGCCTCGGTGGTCATCCAGAGGCGGAACGCATCATGTACAAGCTCAGTT-3'
Protein context (NP_001360.1, residues 4128-4148): LWMTTEAHKQ[Phe4138Leu]PITLLQMSIK